The following is an entry in ClinVar:

ClinVar aggregate classification (germline): Benign/Likely benign. Review status: criteria provided, multiple submitters, no conflicts (2 of 4 stars). 5 submissions from 5 submitters: Benign (1); Likely benign (3). 1 of the submissions does not count toward it. Last evaluated 2025-09-11.

Conditions:
Hereditary cancer-predisposing syndrome. Also called: Tumor predisposition; Hereditary neoplastic syndrome; Neoplastic Syndromes, Hereditary; Hereditary Cancer Syndrome. Identifiers: Orphanet 140162, MedGen C0027672, MeSH D009386, MONDO:0015356.
Tuberous sclerosis 2 (TSC2). Identifiers: Orphanet 805, MedGen C1860707, MONDO:0013199, OMIM 613254.
Tuberous sclerosis syndrome (TSC). Also called: Tuberous Sclerosis Complex; Tuberous sclerosis. Identifiers: Orphanet 805, MedGen C0041341, MONDO:0001734.
TSC2-related disorder. Also called: TSC2-related condition; TSC2-Related Disorders.

Allele frequency attached by ClinVar (database versions not stated): gnomAD exomes below 0.00001; TOPMed 0.00005.
gnomAD v4.1: 3 of 1,609,424 alleles (0.00019%); highest among the groups gnomAD compares: African/African-American, 0.004%; no homozygotes.

Submissions (5):

Labcorp Genetics (formerly Invitae), Labcorp
Classification: Likely benign for Tuberous sclerosis 2. Last evaluated: 2025-09-11. Review status: criteria provided, single submitter. Criteria: Invitae Variant Classification Sherloc (09022015). Collection method: clinical testing. Allele origin: germline.

Myriad Genetics, Inc.
Classification: Benign for Tuberous sclerosis 2. Last evaluated: 2025-06-03. Review status: criteria provided, single submitter. Criteria: Myriad Autosomal Dominant, Autosomal Recessive and X-Linked Classification Criteria (2023). Collection method: clinical testing. Allele origin: unknown.
Comment: This variant is considered benign. This variant is a silent/synonymous amino acid change and it is not expected to impact splicing.

All of Us Research Program, National Institutes of Health
Classification: Likely benign for Tuberous sclerosis syndrome. Last evaluated: 2022-12-27. Review status: criteria provided, single submitter. Criteria: ACMG Guidelines, 2015. Collection method: clinical testing. Allele origin: germline. Inheritance: Autosomal dominant inheritance. Observed: 1 variant allele, 1 heterozygote.
Comment: This study involves interpretation of variants in research participants for the purpose of population health screening. Participant phenotype was not available at the time of variant classification. Additional details can be found in publication PMID: 35346344, PMCID: PMC8962531

Ambry Genetics
Classification: Likely benign for Hereditary cancer-predisposing syndrome. Last evaluated: 2020-02-25. Review status: criteria provided, single submitter. Criteria: Ambry Variant Classification Scheme 2023. Collection method: clinical testing. Allele origin: germline.

PreventionGenetics, part of Exact Sciences
Classification: Likely benign for TSC2-related condition. Last evaluated: 2024-03-29. Review status: no assertion criteria provided. Collection method: clinical testing. Allele origin: germline. Not counted in ClinVar's aggregate classification.
Comment: This variant is classified as likely benign based on ACMG/AMP sequence variant interpretation guidelines (Richards et al. 2015 PMID: 25741868, with internal and published modifications).

NM_000548.5(TSC2):c.4239G>A (p.Glu1413=)

Gene: TSC2 (TSC complex subunit 2; plus strand). Cytogenetic location: 16p13.3.
Variant type: single nucleotide variant.
Coding change: c.4239G>A on transcript NM_000548.5 (MANE Select); coding-DNA position 4239, G replaced by A.
Protein change: p.Glu1413=; no amino-acid change (glutamic acid 1413 retained).
Molecular consequence: synonymous variant.
Genome position (GRCh38, 1-based): chr16:2,084,461, G>A. VCF-style: chr16-2084461-G-A. GRCh37 (hg19) VCF-style: chr16-2134462-G-A.
Other names: c.4038G>A, p.Glu1346= (NM_001077183.3); c.4170G>A, p.Glu1390= (NM_001114382.3); c.3930G>A, p.Glu1310= (NM_001318827.2); c.3894G>A, p.Glu1298= (NM_001318829.2); c.3507G>A, p.Glu1169= (NM_001318831.2); c.4071G>A, p.Glu1357= (NM_001318832.2); c.4041G>A, p.Glu1347= (NM_001363528.2); c.4107G>A, p.Glu1369= (NM_001370404.1); and 2 more.
Identifiers: ClinVar variation 702378 (VCV000702378.16), dbSNP rs907082165, ClinGen allele CA276753372.